The following is an entry in ClinVar:

ClinVar aggregate classification (germline): Pathogenic (1 of 4 stars; one submission).

Conditions:
Familial adenomatous polyposis 1 (FAP1). Also called: POLYPOSIS, ADENOMATOUS INTESTINAL; FAMILIAL ADENOMATOUS POLYPOSIS 1, ATTENUATED. Identifiers: MedGen C2713442, MONDO:0021056, OMIM 175100. Disease mechanism: loss of function.

Submission:

Myriad Genetics, Inc.
Classification: Pathogenic for Familial adenomatous polyposis 1. Last evaluated: 2023-05-10. Review status: criteria provided, single submitter. Criteria: Myriad Autosomal Dominant, Autosomal Recessive and X-Linked Classification Criteria (2023). Collection method: clinical testing. Allele origin: unknown.
Comment: This variant is considered pathogenic. This variant creates a frameshift predicted to result in premature protein truncation.

NM_000038.6(APC):c.4118_4119del (p.Pro1373fs)

Gene: APC (APC regulator of Wnt signaling pathway; plus strand). Cytogenetic location: 5q22.2.
Variant type: Deletion.
Coding change: c.4118_4119del on transcript NM_000038.6 (MANE Select); coding-DNA positions 4118 to 4119, 2 bases deleted (CT; older notation c.4118_4119delCT).
Protein change: p.Pro1373fs; shifts the reading frame from proline 1373.
Molecular consequence: frameshift variant. On other transcripts: non-coding transcript variant (2).
Genome position (GRCh38, 1-based): chr5:112,839,712-112,839,713, CT deleted. VCF-style (leftmost placement, unchanged base first): chr5-112839711-CCT-C. GRCh37 (hg19) VCF-style: chr5-112175408-CCT-C.
Other names: c.4118_4119del, p.Pro1373fs (NM_001127510.3, NM_001354895.2, NM_001407450.1); c.4064_4065del, p.Pro1355fs (NM_001127511.3); c.4172_4173del, p.Pro1391fs (NM_001354896.2, NM_001407447.1, NM_001407448.1 and 1 more transcripts); c.4148_4149del, p.Pro1383fs (NM_001354897.2); c.4043_4044del, p.Pro1348fs (NM_001354898.2); c.4034_4035del, p.Pro1345fs (NM_001354899.2); c.3995_3996del, p.Pro1332fs (NM_001354900.2); c.3941_3942del, p.Pro1314fs (NM_001354901.2, NM_001407453.1); and 11 more; short protein forms P1090fs, P1213fs, P1244fs, P1247fs, P1272fs, P1282fs, P1290fs, P1314fs.
Identifiers: ClinVar variation 2583665 (VCV002583665.2), dbSNP rs2533549845, ClinGen allele CA2582341555.